The following is an entry in ClinVar:

ClinVar aggregate classification (germline): Uncertain significance (1 of 4 stars; one submission).

Conditions:
Ornithine aminotransferase deficiency (GACR). Also called: HYPERORNITHINEMIA WITH GYRATE ATROPHY OF CHOROID AND RETINA; Ornithine ketoacid aminotransferase deficiency; Gyrate atrophy; Gyrate atrophy of choroid and retina; Girate atrophy of the retina; OAT DEFICIENCY. Identifiers: Orphanet 414, MedGen C0018425, MONDO:0009796, OMIM 258870.

Submission:

Labcorp Genetics (formerly Invitae), Labcorp
Classification: Uncertain significance for Ornithine aminotransferase deficiency. Last evaluated: 2022-10-13. Review status: criteria provided, single submitter. Criteria: Invitae Variant Classification Sherloc (09022015). Collection method: clinical testing. Allele origin: germline.
Comment: In summary, the available evidence is currently insufficient to determine the role of this variant in disease. Therefore, it has been classified as a Variant of Uncertain Significance. Advanced modeling of protein sequence and biophysical properties (such as structural, functional, and spatial information, amino acid conservation, physicochemical variation, residue mobility, and thermodynamic stability) performed at Invitae indicates that this missense variant is expected to disrupt OAT protein function. ClinVar contains an entry for this variant (Variation ID: 1503614). This variant has not been reported in the literature in individuals affected with OAT-related conditions. This sequence change replaces tryptophan, which is neutral and slightly polar, with leucine, which is neutral and non-polar, at codon 178 of the OAT protein (p.Trp178Leu). This variant is not present in population databases (gnomAD no frequency).

NM_000274.4(OAT):c.533G>T (p.Trp178Leu)

Gene: OAT (ornithine aminotransferase; minus strand). Cytogenetic location: 10q26.13.
Variant type: single nucleotide variant.
Coding change: c.533G>T on transcript NM_000274.4 (MANE Select); coding-DNA position 533, G replaced by T.
Protein change: p.Trp178Leu; replaces tryptophan 178 with leucine.
Molecular consequence: missense variant. On other transcripts: 5 prime UTR variant (1).
Genome position (GRCh38, 1-based): chr10:124,405,551, C>A on the plus strand (G>T on the coding strand, the complement: OAT is on the minus strand). VCF-style: chr10-124405551-C-A. GRCh37 (hg19) VCF-style: chr10-126094120-C-A.
Other names: c.119G>T, p.Trp40Leu (NM_001171814.2); c.533G>T, p.Trp178Leu (NM_001322965.2, NM_001322966.2, NM_001322967.2 and 3 more transcripts); c.212G>T, p.Trp71Leu (NM_001322971.2); c.-68G>T (NM_001322974.2); short protein forms W71L, W40L, W178L.
Identifiers: ClinVar variation 1503614 (VCV001503614.8), dbSNP rs267606923, ClinGen allele CA378636714.
Genomic context (GRCh38, chr10:124,405,551, plus strand): 5'-CCAAAACCATCGTAACTGGTTGGGTCTGTGGAACTGGAGATAGCAGACAACGTCCTACCC[C>A]AGAAGTTCCCAGCTACAAAGGGGAAACAAACAGTGATTATTTCAAAGAAACCCAAAATTC-3'
Protein context (NP_000265.1, residues 168-188): AKIVFAAGNF[Trp178Leu]GRTLSAISSS